The following is an entry in ClinVar:

ClinVar aggregate classification (germline): Likely benign (1 of 4 stars; one submission).

gnomAD v4.1: 34 of 1,614,036 alleles (0.0021%); highest among the groups gnomAD compares: Admixed American, 0.0083%; no homozygotes.

Submission:

CeGaT Center for Human Genetics Tuebingen
Classification: Likely benign. Last evaluated: 2026-01-01. Review status: criteria provided, single submitter. Criteria: CeGaT Center For Human Genetics Tuebingen Variant Classification Criteria Version 2. Collection method: clinical testing. Allele origin: germline. Affected: yes. Observed: 1 variant allele.
Comment: SPTB: BP4, BP7

NM_001355436.2(SPTB):c.6639T>C (p.Ser2213=)

Genes: SPTB (spectrin beta, erythrocytic; minus strand), PLEKHG3 (pleckstrin homology and RhoGEF domain containing G3; plus strand). Cytogenetic location: 14q23.3.
Variant type: single nucleotide variant.
Coding change: c.6639T>C on transcript NM_001355436.2 (MANE Select); coding-DNA position 6639, T replaced by C.
Protein change: p.Ser2213=; no amino-acid change (serine 2213 retained).
Molecular consequence: synonymous variant. On other transcripts: 3 prime UTR variant (1).
Genome position (GRCh38, 1-based): chr14:64,750,118, A>G on the plus strand (T>C on the coding strand, the complement: SPTB is on the minus strand). VCF-style: chr14-64750118-A-G. GRCh37 (hg19) VCF-style: chr14-65216836-A-G.
Other names: c.*6415A>G (NM_001308147.2); c.6639T>C, p.Ser2213= (NM_001024858.4).
Identifiers: ClinVar variation 4820946 (VCV004820946.4).